The following is an entry in ClinVar:

NM_130384.3(ATRIP):c.1063G>T (p.Ala355Ser)

Genes: ATRIP (ATR interacting protein; plus strand), ATRIP-TREX1 (ATRIP-TREX1 readthrough; plus strand). Cytogenetic location: 3p21.31.
Variant type: single nucleotide variant.
Coding change: c.1063G>T on transcript NM_130384.3 (MANE Select); coding-DNA position 1063, G replaced by T.
Protein change: p.Ala355Ser; replaces alanine 355 with serine.
Molecular consequence: missense variant. On other transcripts: non-coding transcript variant (1).
Genome position (GRCh38, 1-based): chr3:48,460,117, G>T. VCF-style: chr3-48460117-G-T. GRCh37 (hg19) VCF-style: chr3-48501516-G-T.
Other names: c.682G>T, p.Ala228Ser (NM_001271022.2); c.784G>T, p.Ala262Ser (NM_001271023.2); c.1063G>T, p.Ala355Ser (NM_032166.4); short protein forms A262S, A355S, A228S.
Identifiers: ClinVar variation 4181815 (VCV004181815.1).

ClinVar aggregate classification (germline): Uncertain significance (1 of 4 stars; one submission).

Submission:

Ambry Genetics
Classification: Uncertain significance. Last evaluated: 2025-06-19. Review status: criteria provided, single submitter. Criteria: Ambry Variant Classification Scheme 2023. Collection method: clinical testing. Allele origin: germline.
Comment: The p.A355S variant (also known as c.1063G>T), located in coding exon 8 of the ATRIP gene, results from a G to T substitution at nucleotide position 1063. The alanine at codon 355 is replaced by serine, an amino acid with similar properties. This amino acid position is conserved. In addition, this alteration is predicted to be tolerated by in silico analysis. Based on the available evidence, the clinical significance of this variant remains unclear.